The following is an entry in ClinVar:

ClinVar aggregate classification (germline): Likely pathogenic (1 of 4 stars; one submission).

Submission:

GeneDx
Classification: Likely pathogenic. Last evaluated: 2017-09-05. Review status: criteria provided, single submitter. Criteria: GeneDx Variant Classification (06012015). Collection method: clinical testing. Allele origin: germline. Affected: yes.
Comment: The K865E variant in the SMARCA4 gene has not been reported previously as a pathogenic variant, nor as a benign variant, to our knowledge. The K865E variant was not observed in approximately 6500 individuals of European and African American ancestry in the NHLBI Exome Sequencing Project, indicating it is not a common benign variant in these populations. The K865E variant is a non-conservative amino acid substitution, which is likely to impact secondary protein structure as these residues differ in polarity, charge, size and/or other properties. This substitution occurs at a position that is conserved across species. In silico analysis predicts this variant is probably damaging to the protein structure/function. Therefore, we interpret K865E as a likely pathogenic variant.

NM_003072.5(SMARCA4):c.2593A>G (p.Lys865Glu)

Gene: SMARCA4 (SWI/SNF related, matrix associated, actin dependent regulator of chromatin, subfamily a, member 4; plus strand). Cytogenetic location: 19p13.2.
Variant type: single nucleotide variant.
Coding change: c.2593A>G on transcript NM_003072.5 (MANE Select); coding-DNA position 2593, A replaced by G.
Protein change: p.Lys865Glu; replaces lysine 865 with glutamic acid.
Molecular consequence: missense variant. On other transcripts: non-coding transcript variant (1).
Genome position (GRCh38, 1-based): chr19:11,019,678, A>G. VCF-style: chr19-11019678-A-G. GRCh37 (hg19) VCF-style: chr19-11130354-A-G.
Other names: c.2593A>G, p.Lys865Glu (NM_001128844.3, NM_001128845.2, NM_001128846.2 and 5 more transcripts); short protein forms K865E.
Identifiers: ClinVar variation 391724 (VCV000391724.2), dbSNP rs1057524208, ClinGen allele CA16607681.